The following is an entry in ClinVar:

ClinVar aggregate classification (germline): Conflicting classifications of pathogenicity. Review status: criteria provided, conflicting classifications (1 of 4 stars). 5 submissions from 5 submitters: Uncertain significance (1); Benign (1); Likely benign (3). Last evaluated 2025-10-29.

Conditions:
BAP1-related tumor predisposition syndrome (TPDS1). Also called: Tumor susceptibility linked to germline BAP1 mutations; BAP1 tumor predisposition syndrome; COMMON Syndrome; TUMOR PREDISPOSITION SYNDROME 1. Identifiers: Orphanet 289539, MedGen C3280492, MONDO:0013692, OMIM 614327.
Hereditary cancer-predisposing syndrome. Also called: Hereditary Cancer Syndrome; Neoplastic Syndromes, Hereditary; Tumor predisposition; Hereditary neoplastic syndrome. Identifiers: Orphanet 140162, MedGen C0027672, MeSH D009386, MONDO:0015356.

Allele frequency attached by ClinVar (database versions not stated): gnomAD exomes below 0.00001.
gnomAD v4.1: 2 of 1,614,148 alleles (0.00012%); highest among the groups gnomAD compares: Non-Finnish European, 0.00017%; no homozygotes.

Submissions (5):

Labcorp Genetics (formerly Invitae), Labcorp
Classification: Likely benign for BAP1-related tumor predisposition syndrome. Last evaluated: 2025-10-29. Review status: criteria provided, single submitter. Criteria: Invitae Variant Classification Sherloc (09022015). Collection method: clinical testing. Allele origin: germline.

Myriad Genetics, Inc.
Classification: Benign for BAP1-related tumor predisposition syndrome. Last evaluated: 2024-07-15. Review status: criteria provided, single submitter. Criteria: Myriad Autosomal Dominant, Autosomal Recessive and X-Linked Classification Criteria (2023). Collection method: clinical testing. Allele origin: unknown.
Comment: This variant is considered benign. This variant is a silent/synonymous amino acid change and it is not expected to impact splicing.

GeneDx
Classification: Uncertain significance. Last evaluated: 2019-06-06. Review status: criteria provided, single submitter. Criteria: GeneDx Variant Classification Process June 2021. Collection method: clinical testing. Allele origin: germline. Affected: yes.
Comment: Not observed in large population cohorts (Lek et al., 2016); This variant is associated with the following publications: (PMID: 30395583)

Color Diagnostics, LLC DBA Color Health
Classification: Likely benign for Hereditary cancer-predisposing syndrome. Last evaluated: 2017-01-17. Review status: criteria provided, single submitter. Criteria: ACMG Guidelines, 2015. Collection method: clinical testing. Allele origin: germline.

Ambry Genetics
Classification: Likely benign for Hereditary cancer-predisposing syndrome. Last evaluated: 2015-06-24. Review status: criteria provided, single submitter. Criteria: Ambry Variant Classification Scheme 2023. Collection method: clinical testing. Allele origin: germline.

NM_004656.4(BAP1):c.1020C>T (p.Gly340=)

Gene: BAP1 (BRCA1 associated deubiquitinase 1; minus strand). Cytogenetic location: 3p21.1.
Variant type: single nucleotide variant.
Coding change: c.1020C>T on transcript NM_004656.4 (MANE Select); coding-DNA position 1020, C replaced by T.
Protein change: p.Gly340=; no amino-acid change (glycine 340 retained).
Molecular consequence: synonymous variant.
Genome position (GRCh38, 1-based): chr3:52,405,206, G>A on the plus strand (C>T on the coding strand, the complement: BAP1 is on the minus strand). VCF-style: chr3-52405206-G-A. GRCh37 (hg19) VCF-style: chr3-52439222-G-A.
Identifiers: ClinVar variation 490763 (VCV000490763.17), dbSNP rs1553645312, ClinGen allele CA433774953.
Genomic context (GRCh38, chr3:52,405,206, plus strand): 5'-AAAGGCCGGCAGCCGCTGGACAATGGGAGTGGGGTTGGGGTGAACCCCATTGAGGCTGCT[G>A]CCTGGAGGCTTCACCACTAGCTTGGGTTTGTTGGGAGGGCTGTGGGATGGGGCTTGTGCG-3'
Protein context (NP_004647.1, residues 330-350): NKPKLVVKPP[Gly340=]SSLNGVHPNP